The following is an entry in ClinVar:

NM_001378454.1(ALMS1):c.6538G>C (p.Gly2180Arg)

Gene: ALMS1 (ALMS1 centrosome and basal body associated protein; plus strand). Cytogenetic location: 2p13.1.
Variant type: single nucleotide variant.
Coding change: c.6538G>C on transcript NM_001378454.1 (MANE Select); coding-DNA position 6538, G replaced by C.
Protein change: p.Gly2180Arg; replaces glycine 2180 with arginine.
Molecular consequence: missense variant.
Genome position (GRCh38, 1-based): chr2:73,453,065, G>C. VCF-style: chr2-73453065-G-C. GRCh37 (hg19) VCF-style: chr2-73680192-G-C.
Other names: c.6541G>C, p.Gly2181Arg (NM_015120.4); short protein forms G2181R, G2180R.
Identifiers: ClinVar variation 664785 (VCV000664785.7), dbSNP rs145953016, ClinGen allele CA347288470.

ClinVar aggregate classification (germline): Uncertain significance (1 of 4 stars; one submission).

Conditions:
Alstrom syndrome (ALMS). Identifiers: Orphanet 64, MedGen C0268425, MONDO:0008763, OMIM 203800.

Submission:

Labcorp Genetics (formerly Invitae), Labcorp
Classification: Uncertain significance for Alstrom syndrome. Last evaluated: 2018-10-14. Review status: criteria provided, single submitter. Criteria: Invitae Variant Classification Sherloc (09022015). Collection method: clinical testing. Allele origin: germline.
Comment: In summary, the available evidence is currently insufficient to determine the role of this variant in disease. Therefore, it has been classified as a Variant of Uncertain Significance. Algorithms developed to predict the effect of missense changes on protein structure and function are either unavailable or do not agree on the potential impact of this missense change (SIFT: "Tolerated"; PolyPhen-2: "Not available"; Align-GVGD: "Class C0"). The arginine amino acid residue is found in multiple mammalian species, suggesting that this missense change does not adversely affect protein function. These predictions have not been confirmed by published functional studies and their clinical significance is uncertain. This variant has not been reported in the literature in individuals with ALMS1-related disease. This variant is not present in population databases (ExAC no frequency). This sequence change replaces glycine with arginine at codon 2181 of the ALMS1 protein (p.Gly2181Arg). The glycine residue is moderately conserved and there is a moderate physicochemical difference between glycine and arginine.